The following is an entry in ClinVar:

ClinVar aggregate classification (germline): Uncertain significance (1 of 4 stars; one submission).

Conditions:
FGFR3-related chondrodysplasia. Identifiers: Orphanet 93420, MedGen C5681604, MONDO:0019685.

Submission:

Genomenon, Inc
Classification: Uncertain significance for FGFR3-related chondrodysplasia. Last evaluated: 2026-06-23. Review status: criteria provided, single submitter. Criteria: Genomenon Sequence Variant Interpretation Standards - Updated. Collection method: curation. Allele origin: germline. Affected: no.
Comment: FGFR3 p.Tyr647Cys (c.1940A>G) is a missense variant that changes the amino acid at codon 647 from Tyrosine to Cysteine. To our knowledge, this variant has not been reported in patients affected with an FGFR3-related disorder in the published literature. Functional studies have been reported (PMID:26992226). This variant is located in a mutational hotspot and/or important functional domain. It is absent or not present at a significant frequency in gnomAD. In silico models predict that this variant is possibly or probably damaging. In conclusion, we classify FGFR3 p.Tyr647Cys (c.1940A>G) as a variant of uncertain significance.

Literature cited by the submitters: PubMed 26992226.

NM_000142.5(FGFR3):c.1940A>G (p.Tyr647Cys)

Gene: FGFR3 (fibroblast growth factor receptor 3; plus strand). Cytogenetic location: 4p16.3.
Variant type: single nucleotide variant.
Coding change: c.1940A>G on transcript NM_000142.5 (MANE Select); coding-DNA position 1940, A replaced by G.
Protein change: p.Tyr647Cys; replaces tyrosine 647 with cysteine.
Molecular consequence: missense variant. On other transcripts: non-coding transcript variant (1).
Genome position (GRCh38, 1-based): chr4:1,806,154, A>G. VCF-style: chr4-1806154-A-G. GRCh37 (hg19) VCF-style: chr4-1807881-A-G.
Other names: c.1943A>G, p.Tyr648Cys (NM_001354809.2, NM_001354810.2); c.1604A>G, p.Tyr535Cys (NM_022965.4); c.1946A>G, p.Tyr649Cys (NM_001163213.2); short protein forms Y535C, Y647C, Y648C, Y649C.
Identifiers: ClinVar variation 4857819 (VCV004857819.1).